The following is an entry in ClinVar:

NM_005529.7(HSPG2):c.10481G>A (p.Arg3494Gln)

Gene: HSPG2 (heparan sulfate proteoglycan 2; minus strand). Cytogenetic location: 1p36.12.
Variant type: single nucleotide variant.
Coding change: c.10481G>A on transcript NM_005529.7 (MANE Select); coding-DNA position 10481, G replaced by A.
Protein change: p.Arg3494Gln; replaces arginine 3494 with glutamine.
Molecular consequence: missense variant.
Genome position (GRCh38, 1-based): chr1:21,834,918, C>T on the plus strand (G>A on the coding strand, the complement: HSPG2 is on the minus strand). VCF-style: chr1-21834918-C-T. GRCh37 (hg19) VCF-style: chr1-22161411-C-T.
Other names: c.10484G>A, p.Arg3495Gln (NM_001291860.2); short protein forms R3494Q, R3495Q.
Identifiers: ClinVar variation 1935854 (VCV001935854.5), dbSNP rs755375916, ClinGen allele CA670100.

ClinVar aggregate classification (germline): Uncertain significance (1 of 4 stars; one submission).

Allele frequency attached by ClinVar (database versions not stated): ExAC 0.00001.
gnomAD v4.1: 16 of 1,613,410 alleles (0.00099%); highest among the groups gnomAD compares: African/African-American, 0.0027%; no homozygotes.

Submission:

Labcorp Genetics (formerly Invitae), Labcorp
Classification: Uncertain significance. Last evaluated: 2022-08-22. Review status: criteria provided, single submitter. Criteria: Invitae Variant Classification Sherloc (09022015). Collection method: clinical testing. Allele origin: germline.
Comment: Algorithms developed to predict the effect of sequence changes on RNA splicing suggest that this variant may create or strengthen a splice site. Algorithms developed to predict the effect of missense changes on protein structure and function are either unavailable or do not agree on the potential impact of this missense change (SIFT: "Tolerated"; PolyPhen-2: "Probably Damaging"; Align-GVGD: "Class C0"). This variant has not been reported in the literature in individuals affected with HSPG2-related conditions. This variant is present in population databases (rs755375916, gnomAD 0.003%). This sequence change replaces arginine, which is basic and polar, with glutamine, which is neutral and polar, at codon 3494 of the HSPG2 protein (p.Arg3494Gln). In summary, the available evidence is currently insufficient to determine the role of this variant in disease. Therefore, it has been classified as a Variant of Uncertain Significance.